The following is an entry in ClinVar:

NM_000059.4(BRCA2):c.5710C>G (p.Leu1904Val)

Gene: BRCA2 (BRCA2 DNA repair associated; plus strand). Cytogenetic location: 13q13.1.
Variant type: single nucleotide variant.
Coding change: c.5710C>G on transcript NM_000059.4 (MANE Select); coding-DNA position 5710, C replaced by G.
Protein change: p.Leu1904Val; replaces leucine 1904 with valine.
Molecular consequence: missense variant.
Genome position (GRCh38, 1-based): chr13:32,340,065, C>G. VCF-style: chr13-32340065-C-G. GRCh37 (hg19) VCF-style: chr13-32914202-C-G.
Other names: p.L1904V:CTT>GTT; 5938C>G; short protein forms L1904V.
Identifiers: ClinVar variation 37990 (VCV000037990.49), dbSNP rs55875643, ClinGen allele CA023023.

ClinVar aggregate classification (germline): Benign. Review status: reviewed by expert panel (3 of 4 stars). 23 submissions from 23 submitters: Benign (1). 22 of the submissions do not count toward it. Last evaluated 2015-08-10.

Conditions:
Hereditary cancer-predisposing syndrome. Also called: Neoplastic Syndromes, Hereditary; Tumor predisposition; Hereditary Cancer Syndrome; Hereditary neoplastic syndrome. Identifiers: Orphanet 140162, MedGen C0027672, MeSH D009386, MONDO:0015356.
Breast neoplasm. Also called: Neoplasm of breast; Breast tumor; Breast Neoplasms; Neoplasm of the breast. Identifiers: MedGen C1458155, MeSH D001943, MONDO:0021100, HP:0100013. Disease mechanism: gain of function.
Hereditary breast ovarian cancer syndrome. Also called: Hereditary breast and ovarian cancer; Breast and ovarian cancer; Hereditary breast and/or ovarian cancer syndrome; Hereditary breast and ovarian cancer syndrome (HBOC); Hereditary breast and ovarian cancer syndrome; BRCA1- and BRCA2-Associated Hereditary Breast and Ovarian Cancer. Identifiers: Orphanet 145, MedGen C0677776, MeSH D061325, MONDO:0003582. Disease mechanism: loss of function.
Breast-ovarian cancer, familial, susceptibility to, 2 (BROVCA2). Also called: BRCA2 Hereditary Breast and Ovarian Cancer. Identifiers: Orphanet 145, MedGen C2675520, MONDO:0012933, OMIM 612555. Disease mechanism: loss of function.

Allele frequency attached by ClinVar (database versions not stated): ExAC 0.00004; gnomAD exomes 0.00004; ESP Exome Variant Server 0.00015; 1000 Genomes Project 30x 0.00016; gnomAD 0.00019 and 0.00020; 1000 Genomes Project 0.00020; TOPMed 0.00025.
gnomAD v4.1: 81 of 1,613,764 alleles (0.005%); highest among the groups gnomAD compares: African/African-American, 0.061%; no homozygotes.

Submissions 1 to 19 of 23:

Evidence-based Network for the Interpretation of Germline Mutant Alleles (ENIGMA)
Classification: Benign for Breast-ovarian cancer, familial 2. Last evaluated: 2015-08-10. Review status: reviewed by expert panel. Criteria: ENIGMA BRCA1/2 Classification Criteria (2015). Collection method: curation. Allele origin: germline.
Comment: IARC class based on posterior probability from multifactorial likelihood analysis, thresholds for class as per Plon et al. 2008 (PMID: 18951446). Class 1 based on posterior probability = 0.0000209

CeGaT Center for Human Genetics Tuebingen
Classification: Likely benign. Last evaluated: 2026-04-01. Review status: criteria provided, single submitter. Criteria: CeGaT Center For Human Genetics Tuebingen Variant Classification Criteria Version 2. Collection method: clinical testing. Allele origin: germline. Affected: yes. Observed: 1 variant allele. Not counted in ClinVar's aggregate classification.
Comment: BRCA2: BP4

Labcorp Genetics (formerly Invitae), Labcorp
Classification: Benign for Hereditary breast ovarian cancer syndrome. Last evaluated: 2026-01-19. Review status: criteria provided, single submitter. Criteria: Invitae Variant Classification Sherloc (09022015). Collection method: clinical testing. Allele origin: germline. Not counted in ClinVar's aggregate classification.

Institute for Biomarker Research, Medical Diagnostic Laboratories, L.L.C.
Classification: Likely benign for Hereditary breast ovarian cancer syndrome. Last evaluated: 2025-03-20. Review status: criteria provided, single submitter. Criteria: ACMG Guidelines, 2015. Collection method: clinical testing. Allele origin: germline. Not counted in ClinVar's aggregate classification.
Comment: The missense variant NM_000059.4(BRCA2):c.5710C>G (p.Leu1904Val) has been reported to ClinVar as Benign with a status of (3 stars) reviewed by expert panel (Variation ID 37990 as of 2025-03-07). The p.Leu1904Val variant is not predicted to introduce a novel splice site by any splice site algorithm. The p.Leu1904Val missense variant is predicted to be tolerated by both SIFT or PolyPhen2. The nucleotide c.5710 in BRCA2 is not conserved according to a GERP++ and PhyloP analysis of 100 vertebrates. For these reasons, this variant has been classified as Likely Benign

Center for Genomic Medicine, Rigshospitalet, Copenhagen University Hospital
Classification: Benign. Last evaluated: 2025-03-04. Review status: criteria provided, single submitter. Criteria: ACMG Guidelines, 2015. Collection method: clinical testing. Allele origin: germline. Not counted in ClinVar's aggregate classification.

Dasa
Classification: Benign for Breast-ovarian cancer, familial, susceptibility to, 2. Last evaluated: 2024-12-09. Review status: criteria provided, single submitter. Criteria: DASA Assertion Criteria. Collection method: clinical testing. Allele origin: germline. Not counted in ClinVar's aggregate classification.
Comment: NM_000059.4(BRCA2):c.5710C>G (p.Leu1904Val) is a missense variant that results in the substitution of leucine with valine. Population frequency is inconsistent with a disease-causing role for this variant, and the variant context is inconsistent with a known disease-causing mechanism. Therefore, based on the currently available evidence, this variant is classified as benign.

Blueprint Genetics
Classification: Likely benign. Last evaluated: 2024-08-26. Review status: criteria provided, single submitter. Criteria: ACMG Guidelines, 2015. Collection method: clinical testing. Allele origin: germline. Not counted in ClinVar's aggregate classification.

KCCC/NGS Laboratory, Kuwait Cancer Control Center
Classification: Benign for Breast-ovarian cancer, familial, susceptibility to, 2. Last evaluated: 2023-07-07. Review status: criteria provided, single submitter. Criteria: ACMG Guidelines, 2015. Collection method: clinical testing. Allele origin: germline. Affected: yes. Not counted in ClinVar's aggregate classification.

Quest Diagnostics Nichols Institute San Juan Capistrano
Classification: Benign. Last evaluated: 2022-10-18. Review status: criteria provided, single submitter. Criteria: Quest Diagnostics criteria. Collection method: clinical testing. Allele origin: unknown. Not counted in ClinVar's aggregate classification.

GeneDx
Classification: Likely benign. Last evaluated: 2021-01-20. Review status: criteria provided, single submitter. Criteria: GeneDx Variant Classification Process June 2021. Collection method: clinical testing. Allele origin: germline. Affected: yes. Not counted in ClinVar's aggregate classification.
Comment: In silico analysis supports that this missense variant does not alter protein structure/function; This variant is associated with the following publications: (PMID: 21990134, 24055113, 22848303, 15744044, 24323938, 25637381, 26689913, 17924331, 28814288, 32926152)

ARUP Laboratories, Molecular Genetics and Genomics, ARUP Laboratories
Classification: Benign. Last evaluated: 2020-01-30. Review status: criteria provided, single submitter. Criteria: ARUP Molecular Germline Variant Investigation Process. Collection method: clinical testing. Allele origin: germline. Not counted in ClinVar's aggregate classification.

Mendelics
Classification: Likely benign for Breast-ovarian cancer, familial, susceptibility to, 2. Last evaluated: 2019-05-28. Review status: criteria provided, single submitter. Criteria: Mendelics Assertion Criteria 2017. Collection method: clinical testing. Allele origin: unknown. Not counted in ClinVar's aggregate classification.

Center for Pediatric Genomic Medicine, Children's Mercy Hospital and Clinics
Classification: Likely benign. Last evaluated: 2017-02-08. Review status: criteria provided, single submitter. Criteria: ACMG Guidelines, 2015. Collection method: clinical testing. Allele origin: germline. Not counted in ClinVar's aggregate classification.
ClinVar note: Converted during submission from Likely Benign to Likely benign.

Genetic Services Laboratory, University of Chicago
Classification: Likely benign. Last evaluated: 2016-10-07. Review status: criteria provided, single submitter. Criteria: ACMG Guidelines, 2015. Collection method: clinical testing. Allele origin: germline. Affected: no. Not counted in ClinVar's aggregate classification.

Women's Health and Genetics/Laboratory Corporation of America, LabCorp
Classification: Benign. Last evaluated: 2016-08-22. Review status: criteria provided, single submitter. Criteria: LabCorp Variant Classification Summary - May 2015. Collection method: clinical testing. Allele origin: germline. Not counted in ClinVar's aggregate classification.
Comment: Variant summary: The BRCA2 c.5710C>G (p.Leu1904Val) variant causes a missense change involving a non-conserved nucleotide with 4/4 in silico tools (SNPs&GO not captured due to low reliability index) predict a benign outcome, although these predictions have yet to be functionally assessed. The variant of interest was observed in the large, broad control population, ExAC, with an allele frequency of 5/120788 (1/24160), which does not exceed the estimated maximal expected allele frequency for a pathogenic BRCA2 variant of 1/1333. Multiple publications and databases cite the variant in affected individuals, in which multiple individuals carried another pathogenic BRCA2 variant (c.3922G>T (p.Glu1308X), c.1813dup (p.Ile605AsnfsX11)) and BRCA1 (c.5324T>G (p.Met1775Arg - classified as pathogenic by LCA) and c.1949_1950delTA (p.Ile650LysfsX22)). In addition, multiple reputable clinical laboratories classify the variant as "likely benign/benign." Therefore, the variant of interest has been classified as Benign.

Color Diagnostics, LLC DBA Color Health
Classification: Benign for Hereditary cancer-predisposing syndrome. Last evaluated: 2016-04-21. Review status: criteria provided, single submitter. Criteria: ACMG Guidelines, 2015. Collection method: clinical testing. Allele origin: germline. Not counted in ClinVar's aggregate classification.

Ambry Genetics
Classification: Benign for Hereditary cancer-predisposing syndrome. Last evaluated: 2014-11-19. Review status: criteria provided, single submitter. Criteria: Ambry Variant Classification Scheme 2023. Collection method: clinical testing. Allele origin: germline. Not counted in ClinVar's aggregate classification.

CSER _CC_NCGL, University of Washington
Classification: Likely benign for Breast cancer. Last evaluated: 2014-06-01. Review status: criteria provided, single submitter. Criteria: Amendola et al. (Genome Res. 2015). Collection method: research. Allele origin: germline. Inheritance: Autosomal dominant inheritance. Study: ESP 6500 variant annotation. Not counted in ClinVar's aggregate classification.
Comment: Variants classified for the Actionable exomic incidental findings in 6503 participants: challenges of variant classification manuscript

BRCAlab, Lund University
Classification: Benign for Breast-ovarian cancer, familial, susceptibility to, 2. Last evaluated: 2020-03-02. Review status: no assertion criteria provided. Collection method: clinical testing. Allele origin: germline. Affected: yes. Not counted in ClinVar's aggregate classification.